The following is an entry in ClinVar:

NM_000069.3(CACNA1S):c.509T>A (p.Leu170His)

Gene: CACNA1S (calcium voltage-gated channel subunit alpha1 S; minus strand). Cytogenetic location: 1q32.1.
Variant type: single nucleotide variant.
Coding change: c.509T>A on transcript NM_000069.3 (MANE Select); coding-DNA position 509, T replaced by A.
Protein change: p.Leu170His; replaces leucine 170 with histidine.
Molecular consequence: missense variant.
Genome position (GRCh38, 1-based): chr1:201,092,004, A>T on the plus strand (T>A on the coding strand, the complement: CACNA1S is on the minus strand). VCF-style: chr1-201092004-A-T. GRCh37 (hg19) VCF-style: chr1-201061132-A-T.
Other names: short protein forms L170H.
Identifiers: ClinVar variation 4527949 (VCV004527949.1).

ClinVar aggregate classification (germline): Uncertain significance (1 of 4 stars; one submission).

Submission:

GeneDx
Classification: Uncertain significance. Last evaluated: 2025-05-01. Review status: criteria provided, single submitter. Criteria: GeneDx Variant Classification Process June 2021. Collection method: clinical testing. Allele origin: germline. Affected: yes.
Comment: Not observed at significant frequency in large population cohorts (gnomAD); In silico analysis supports that this missense variant has a deleterious effect on protein structure/function; Has not been previously published as pathogenic or benign to our knowledge